The following is an entry in ClinVar:

NM_001080442.3(SLC38A8):c.669C>T (p.Pro223=)

Gene: SLC38A8 (solute carrier family 38 member 8; minus strand). Cytogenetic location: 16q23.3.
Variant type: single nucleotide variant.
Coding change: c.669C>T on transcript NM_001080442.3 (MANE Select); coding-DNA position 669, C replaced by T.
Protein change: p.Pro223=; no amino-acid change (proline 223 retained).
Molecular consequence: synonymous variant.
Genome position (GRCh38, 1-based): chr16:84,029,515, G>A on the plus strand (C>T on the coding strand, the complement: SLC38A8 is on the minus strand). VCF-style: chr16-84029515-G-A. GRCh37 (hg19) VCF-style: chr16-84063120-G-A.
Other names: c.669C>T (NM_001080442.2).
Identifiers: ClinVar variation 1656893 (VCV001656893.9), dbSNP rs78965848, ClinGen allele CA8200099.

ClinVar aggregate classification (germline): Benign/Likely benign. Review status: criteria provided, multiple submitters, no conflicts (2 of 4 stars). 2 submissions from 2 submitters: Benign (1); Likely benign (1). Last evaluated 2025-12-22.

Conditions:
SLC38A8-related disorder. Also called: SLC38A8-related condition.

Allele frequency attached by ClinVar (database versions not stated): gnomAD exomes 0.00091 and 0.00225; ESP Exome Variant Server 0.00100; TOPMed 0.00141; ExAC 0.00197; 1000 Genomes Project 30x 0.00234; 1000 Genomes Project 0.00240; gnomAD 0.00306 and 0.00322.
gnomAD v4.1: 1,784 of 1,614,120 alleles (0.11%); highest among the groups gnomAD compares: African/African-American, 0.41%; 22 homozygotes.

Submissions (2):

Labcorp Genetics (formerly Invitae), Labcorp
Classification: Benign. Last evaluated: 2025-12-22. Review status: criteria provided, single submitter. Criteria: Invitae Variant Classification Sherloc (09022015). Collection method: clinical testing. Allele origin: germline.

PreventionGenetics, part of Exact Sciences
Classification: Likely benign for SLC38A8-related condition. Last evaluated: 2025-05-30. Review status: criteria provided, single submitter. Criteria: ACMG Guidelines, 2015. Collection method: clinical testing. Allele origin: germline.
Comment: This variant is classified as likely benign based on ACMG/AMP sequence variant interpretation guidelines (Richards et al. 2015 PMID: 25741868, with internal and published modifications).